The following is an entry in ClinVar:

ClinVar aggregate classification (germline): Likely pathogenic (1 of 4 stars; one submission).

Allele frequency attached by ClinVar (database versions not stated): TOPMed below 0.00001.

Submission:

Labcorp Genetics (formerly Invitae), Labcorp
Classification: Likely pathogenic. Last evaluated: 2026-01-05. Review status: criteria provided, single submitter. Criteria: Invitae Variant Classification Sherloc (09022015). Collection method: clinical testing. Allele origin: germline.
Comment: This sequence change replaces cysteine, which is neutral and slightly polar, with arginine, which is basic and polar, at codon 2978 of the LRP2 protein (p.Cys2978Arg). This variant is not present in population databases (gnomAD no frequency). This missense change has been observed in individual(s) with clinical features of Donnai-Barrow syndrome and/or LRP2-related conditions (internal data). In at least one individual the data is consistent with being in trans (on the opposite chromosome) from a pathogenic variant. ClinVar contains an entry for this variant (Variation ID: 2008664). Invitae Evidence Modeling of protein sequence and biophysical properties (such as structural, functional, and spatial information, amino acid conservation, physicochemical variation, residue mobility, and thermodynamic stability) indicates that this missense variant is expected to disrupt LRP2 protein function with a positive predictive value of 95%. In summary, the currently available evidence indicates that the variant is pathogenic, but additional data are needed to prove that conclusively. Therefore, this variant has been classified as Likely Pathogenic.

NM_004525.3(LRP2):c.8932T>C (p.Cys2978Arg)

Gene: LRP2 (LDL receptor related protein 2; minus strand). Cytogenetic location: 2q31.1.
Variant type: single nucleotide variant.
Coding change: c.8932T>C on transcript NM_004525.3 (MANE Select); coding-DNA position 8932, T replaced by C.
Protein change: p.Cys2978Arg; replaces cysteine 2978 with arginine.
Molecular consequence: missense variant.
Genome position (GRCh38, 1-based): chr2:169,191,932, A>G on the plus strand (T>C on the coding strand, the complement: LRP2 is on the minus strand). VCF-style: chr2-169191932-A-G. GRCh37 (hg19) VCF-style: chr2-170048442-A-G.
Other names: short protein forms C2978R.
Identifiers: ClinVar variation 2008664 (VCV002008664.4), dbSNP rs1687843772, ClinGen allele CA349159350.
Genomic context (GRCh38, chr2:169,191,932, plus strand): 5'-ATTCATTTTCAGAGCAAGTTCTCCTGGTGCAATTCTGATTCTCATCGTAGCCGTCAGTAC[A>G]ATCCACATCGCCATCACAGACCCAAGACTGGGGAATGCACCTCCTGTCCGGAGGTCTGTC-3'
Protein context (NP_004516.2, residues 2968-2988): QSWVCDGDVD[Cys2978Arg]TDGYDENQNC